The following is an entry in ClinVar:

ClinVar aggregate classification (germline): Uncertain significance. Review status: criteria provided, multiple submitters, no conflicts (2 of 4 stars). 2 submissions from 2 submitters: Uncertain significance (2). Last evaluated 2024-08-03.

Conditions:
Gastrointestinal stromal tumor. Also called: Gastrointestinal stromal tumor, somatic; Gastrointestinal stroma tumor. Identifiers: Orphanet 44890, MedGen C0238198, MeSH D046152, MONDO:0011719, OMIM 606764, HP:0100723.
Hereditary cancer-predisposing syndrome. Also called: Tumor predisposition; Neoplastic Syndromes, Hereditary; Hereditary neoplastic syndrome; Hereditary Cancer Syndrome. Identifiers: Orphanet 140162, MedGen C0027672, MeSH D009386, MONDO:0015356.

Allele frequency attached by ClinVar (database versions not stated): gnomAD exomes below 0.00001; gnomAD 0.00001.
gnomAD v4.1: 2 of 1,614,020 alleles (0.00012%); highest among the groups gnomAD compares: African/African-American, 0.0027%; no homozygotes.

Submissions (2):

Ambry Genetics
Classification: Uncertain significance for Hereditary cancer-predisposing syndrome. Last evaluated: 2024-08-03. Review status: criteria provided, single submitter. Criteria: Ambry Variant Classification Scheme 2023. Collection method: clinical testing. Allele origin: germline.
Comment: The p.L890F variant (also known as c.2668C>T), located in coding exon 19 of the KIT gene, results from a C to T substitution at nucleotide position 2668. The leucine at codon 890 is replaced by phenylalanine, an amino acid with highly similar properties. This amino acid position is conserved. In addition, this alteration is predicted to be tolerated by in silico analysis. Since supporting evidence is limited at this time, the clinical significance of this alteration remains unclear.

Labcorp Genetics (formerly Invitae), Labcorp
Classification: Uncertain significance for Gastrointestinal stromal tumor. Last evaluated: 2024-04-24. Review status: criteria provided, single submitter. Criteria: Invitae Variant Classification Sherloc (09022015). Collection method: clinical testing. Allele origin: germline.
Comment: This sequence change replaces leucine, which is neutral and non-polar, with phenylalanine, which is neutral and non-polar, at codon 890 of the KIT protein (p.Leu890Phe). This variant is not present in population databases (gnomAD no frequency). This variant has not been reported in the literature in individuals affected with KIT-related conditions. ClinVar contains an entry for this variant (Variation ID: 1052635). Algorithms developed to predict the effect of missense changes on protein structure and function output the following: SIFT: "Not Available"; PolyPhen-2: "Benign"; Align-GVGD: "Not Available". The phenylalanine amino acid residue is found in multiple mammalian species, which suggests that this missense change does not adversely affect protein function. In summary, the available evidence is currently insufficient to determine the role of this variant in disease. Therefore, it has been classified as a Variant of Uncertain Significance.

NM_000222.3(KIT):c.2668C>T (p.Leu890Phe)

Gene: KIT (KIT proto-oncogene, receptor tyrosine kinase; plus strand). Cytogenetic location: 4q12.
Variant type: single nucleotide variant.
Coding change: c.2668C>T on transcript NM_000222.3 (MANE Select); coding-DNA position 2668, C replaced by T.
Protein change: p.Leu890Phe; replaces leucine 890 with phenylalanine.
Molecular consequence: missense variant.
Genome position (GRCh38, 1-based): chr4:54,736,792, C>T. VCF-style: chr4-54736792-C-T. GRCh37 (hg19) VCF-style: chr4-55602958-C-T.
Other names: c.2656C>T, p.Leu886Phe (NM_001093772.2, NM_001385292.1); c.2671C>T, p.Leu891Phe (NM_001385284.1); c.2665C>T, p.Leu889Phe (NM_001385285.1); c.2653C>T, p.Leu885Phe (NM_001385286.1); c.2659C>T, p.Leu887Phe (NM_001385288.1); c.2668C>T, p.Leu890Phe (NM_001385290.1); short protein forms L885F, L886F, L887F, L889F, L890F, L891F.
Identifiers: ClinVar variation 1052635 (VCV001052635.12), dbSNP rs1722945534, ClinGen allele CA356913986.